The following is an entry in ClinVar:

ClinVar aggregate classification (germline): Uncertain significance (1 of 4 stars; one submission).

Allele frequency attached by ClinVar (database versions not stated): gnomAD exomes below 0.00001.
gnomAD v4.1: 2 of 1,612,386 alleles (0.00012%); highest among the groups gnomAD compares: Admixed American, 0.0017%; no homozygotes.

Submission:

Labcorp Genetics (formerly Invitae), Labcorp
Classification: Uncertain significance. Last evaluated: 2022-07-12. Review status: criteria provided, single submitter. Criteria: Invitae Variant Classification Sherloc (09022015). Collection method: clinical testing. Allele origin: germline.
Comment: In summary, the available evidence is currently insufficient to determine the role of this variant in disease. Therefore, it has been classified as a Variant of Uncertain Significance. Algorithms developed to predict the effect of missense changes on protein structure and function are either unavailable or do not agree on the potential impact of this missense change (SIFT: "Deleterious"; PolyPhen-2: "Benign"; Align-GVGD: "Class C65"). ClinVar contains an entry for this variant (Variation ID: 1359384). This variant has not been reported in the literature in individuals affected with ZNF408-related conditions. This variant is not present in population databases (gnomAD no frequency). This sequence change replaces proline, which is neutral and non-polar, with leucine, which is neutral and non-polar, at codon 465 of the ZNF408 protein (p.Pro465Leu).

NM_024741.3(ZNF408):c.1394C>T (p.Pro465Leu)

Gene: ZNF408 (zinc finger protein 408; plus strand). Cytogenetic location: 11p11.2.
Variant type: single nucleotide variant.
Coding change: c.1394C>T on transcript NM_024741.3 (MANE Select); coding-DNA position 1394, C replaced by T.
Protein change: p.Pro465Leu; replaces proline 465 with leucine.
Molecular consequence: missense variant.
Genome position (GRCh38, 1-based): chr11:46,705,094, C>T. VCF-style: chr11-46705094-C-T. GRCh37 (hg19) VCF-style: chr11-46726644-C-T.
Other names: c.1370C>T, p.Pro457Leu (NM_001184751.2); short protein forms P457L, P465L.
Identifiers: ClinVar variation 1359384 (VCV001359384.8), dbSNP rs2064741330, ClinGen allele CA380255929.